The following is an entry in ClinVar:

NM_000496.3(CRYBB2):c.449+6T>A

Gene: CRYBB2 (crystallin beta B2; plus strand). Cytogenetic location: 22q11.23.
Variant type: single nucleotide variant.
Coding change: c.449+6T>A on transcript NM_000496.3 (MANE Select); 6 bases into the intron after coding-DNA position 449, T replaced by A.
Molecular consequence: intron variant.
Genome position (GRCh38, 1-based): chr22:25,229,584, T>A. VCF-style: chr22-25229584-T-A. GRCh37 (hg19) VCF-style: chr22-25625551-T-A.
Identifiers: ClinVar variation 2767531 (VCV002767531.3), dbSNP rs2517857148, ClinGen allele CA2697552584.

ClinVar aggregate classification (germline): Uncertain significance (1 of 4 stars; one submission).

Conditions:
Cataract 3 multiple types. Also called: CATARACT 3, MULTIPLE TYPES, WITH OR WITHOUT MICROCORNEA. Identifiers: Orphanet 1377, MedGen C1832175, MONDO:0011104, OMIM 601547.

Submission:

Labcorp Genetics (formerly Invitae), Labcorp
Classification: Uncertain significance for Cataract 3 multiple types. Last evaluated: 2023-10-10. Review status: criteria provided, single submitter. Criteria: Invitae Variant Classification Sherloc (09022015). Collection method: clinical testing. Allele origin: germline.
Comment: This sequence change falls in intron 5 of the CRYBB2 gene. It does not directly change the encoded amino acid sequence of the CRYBB2 protein. It affects a nucleotide within the consensus splice site. This variant is not present in population databases (gnomAD no frequency). This variant has not been reported in the literature in individuals affected with CRYBB2-related conditions. Variants that disrupt the consensus splice site are a relatively common cause of aberrant splicing (PMID: 17576681, 9536098). Algorithms developed to predict the effect of sequence changes on RNA splicing suggest that this variant may create or strengthen a splice site. In summary, the available evidence is currently insufficient to determine the role of this variant in disease. Therefore, it has been classified as a Variant of Uncertain Significance.

Literature cited by the submitters: PubMed 17576681; PubMed 9536098.